The following is an entry in ClinVar:

ClinVar aggregate classification (germline): Pathogenic/Likely pathogenic. Review status: criteria provided, multiple submitters, no conflicts (2 of 4 stars). 2 submissions from 2 submitters: Pathogenic (1); Likely pathogenic (1). Last evaluated 2023-12-29.

Conditions:
NF1-related disorder. Also called: NF1-related condition. Identifiers: MedGen CN379171.
Cardiovascular phenotype. Identifiers: MedGen CN230736.
Hereditary cancer-predisposing syndrome. Also called: Tumor predisposition; Hereditary Cancer Syndrome; Hereditary neoplastic syndrome; Neoplastic Syndromes, Hereditary. Identifiers: Orphanet 140162, MedGen C0027672, MeSH D009386, MONDO:0015356.

Submissions (2):

Ambry Genetics
Classification: Pathogenic for Cardiovascular phenotype; Hereditary cancer-predisposing syndrome. Last evaluated: 2023-12-29. Review status: criteria provided, single submitter. Criteria: Ambry Variant Classification Scheme 2023. Collection method: clinical testing. Allele origin: germline.
Comment: The c.7166_7169delTCAG pathogenic mutation, located in coding exon 48 of the NF1 gene, results from a deletion of 4 nucleotides at nucleotide positions 7166 to 7169, causing a translational frameshift with a predicted alternate stop codon (p.V2389Efs*7). This variant is considered to be rare based on population cohorts in the Genome Aggregation Database (gnomAD). This alteration is expected to result in loss of function by premature protein truncation or nonsense-mediated mRNA decay. As such, this alteration is interpreted as a disease-causing mutation.

Blueprint Genetics
Classification: Likely pathogenic for NF1-related disorders. Last evaluated: 2020-01-28. Review status: criteria provided, single submitter. Criteria: ACMG Guidelines, 2015. Collection method: clinical testing. Allele origin: germline. Affected: yes. Observed: 1 variant allele.

NM_001042492.3(NF1):c.7229_7232del (p.Val2410fs)

Gene: NF1 (neurofibromin 1; plus strand). Cytogenetic location: 17q11.2.
Variant type: Deletion.
Coding change: c.7229_7232del on transcript NM_001042492.3 (MANE Select); coding-DNA positions 7229 to 7232, 4 bases deleted (TCAG; older notation c.7229_7232delTCAG).
Protein change: p.Val2410fs; shifts the reading frame from valine 2410.
Molecular consequence: frameshift variant.
Genome position (GRCh38, 1-based): chr17:31,349,159-31,349,162, TCAG deleted; deleting any 4 consecutive bases within chr17:31,349,156-31,349,162 gives the same sequence; the c. name uses the placement nearest the transcript's 3' end. VCF-style (leftmost placement, unchanged base first): chr17-31349155-ACAGT-A. GRCh37 (hg19) VCF-style: chr17-29676173-ACAGT-A.
Other names: c.7166_7169delTCAG, p.Val2389Glufs (NM_000267.4); c.7166_7169delTCAG (NM_000267.3); short protein forms V2389fs, V2410fs.
Identifiers: ClinVar variation 3237922 (VCV003237922.2), dbSNP rs2508800922.